The following is an entry in ClinVar:

NM_022725.4(FANCF):c.604del (p.Phe201_Leu202insTer)

Gene: FANCF (FA complementation group F; minus strand). Cytogenetic location: 11p14.3.
Variant type: Deletion.
Coding change: c.604del on transcript NM_022725.4 (MANE Select); coding-DNA position 604, one base deleted (C; older notation c.604delC).
Protein change: p.Phe201_Leu202insTer.
Molecular consequence: nonsense.
Genome position (GRCh38, 1-based): chr11:22,625,207, G deleted on the plus strand (C on the coding strand, the reverse complement: FANCF is on the minus strand); the first of 2 consecutive G bases (chr11:22,625,207-22,625,208); deleting either gives the same sequence. VCF-style (leftmost placement, unchanged base first): chr11-22625206-AG-A. GRCh37 (hg19) VCF-style: chr11-22646752-AG-A.
Identifiers: ClinVar variation 806634 (VCV000806634.48), dbSNP rs1479457172, ClinGen allele CA598390445.

ClinVar aggregate classification (germline): Pathogenic/Likely pathogenic. Review status: criteria provided, multiple submitters, no conflicts (2 of 4 stars). 6 submissions from 6 submitters: Pathogenic (2); Likely pathogenic (2). 2 of the submissions do not count toward it. Last evaluated 2025-04-23.

Conditions:
Fanconi anemia complementation group F. Also called: FANCF-Related Fanconi Anemia. Identifiers: Orphanet 84, MedGen C3469526, MONDO:0011325, OMIM 603467.
Fanconi anemia (FA). Also called: Fanconi's anemia. Identifiers: Orphanet 84, MedGen C0015625, MeSH D005199, MONDO:0019391.
FANCF-related disorder. Also called: FANCF-related condition.

Submissions (6):

Labcorp Genetics (formerly Invitae), Labcorp
Classification: Pathogenic for Fanconi anemia. Last evaluated: 2025-04-23. Review status: criteria provided, single submitter. Criteria: Invitae Variant Classification Sherloc (09022015). Collection method: clinical testing. Allele origin: germline.
Comment: This sequence change creates a premature translational stop signal (p.Leu202*) in the FANCF gene. While this is not anticipated to result in nonsense mediated decay, it is expected to disrupt the last 173 amino acid(s) of the FANCF protein. This variant is present in population databases (no rsID available, gnomAD 0.002%). This premature translational stop signal has been observed in individual(s) with malignant pleural mesothelioma (PMID: 28687356). ClinVar contains an entry for this variant (Variation ID: 806634). This variant disrupts a region of the FANCF protein in which other variant(s) (p.Gly233Glufs*32) have been determined to be pathogenic (PMID: 11063725, 12649160, 27714961). This suggests that this is a clinically significant region of the protein, and that variants that disrupt it are likely to be disease-causing. For these reasons, this variant has been classified as Pathogenic.

Fulgent Genetics
Classification: Likely pathogenic for Fanconi anemia complementation group F. Last evaluated: 2024-05-07. Review status: criteria provided, single submitter. Criteria: ACMG Guidelines, 2015. Collection method: clinical testing. Allele origin: germline.

Baylor Genetics
Classification: Pathogenic for Fanconi anemia complementation group F. Last evaluated: 2023-10-16. Review status: criteria provided, single submitter. Criteria: ACMG Guidelines, 2015. Collection method: clinical testing. Allele origin: unknown.

CeGaT Center for Human Genetics Tuebingen
Classification: Likely pathogenic. Last evaluated: 2018-11-01. Review status: criteria provided, single submitter. Criteria: CeGaT Center For Human Genetics Tuebingen Variant Classification Criteria Version 2. Collection method: clinical testing. Allele origin: germline. Affected: yes. Observed: 1 variant allele.

PreventionGenetics, part of Exact Sciences
Classification: Pathogenic for FANCF-related condition. Last evaluated: 2024-08-06. Review status: no assertion criteria provided. Collection method: clinical testing. Allele origin: germline. Not counted in ClinVar's aggregate classification.
Comment: The FANCF c.604delC variant is predicted to result in premature protein termination (p.Leu202*). This variant has not been reported in patients with features of Fanconi Anemia. This variant is reported in 0.0018% of alleles in individuals of European (Non-Finnish) descent in gnomAD. This variant is classified as likely pathogenic and pathogenic in Clinvar. Nonsense variants in FANCF are expected to be pathogenic. This variant is interpreted as pathogenic.

Leiden Open Variation Database
Classification: Pathogenic for Fanconi anemia complementation group F. Last evaluated: 2011-02-07. Review status: no assertion criteria provided. Collection method: curation. Allele origin: germline. Affected: yes. Not counted in ClinVar's aggregate classification.
Comment: Curator: Arleen D. Auerbach. Submitter to LOVD: Arleen D. Auerbach.

Literature cited by the submitters: PubMed 28687356 (cited by Labcorp Genetics (formerly Invitae), Labcorp); PubMed 11063725 (cited by Labcorp Genetics (formerly Invitae), Labcorp); PubMed 12649160 (cited by Labcorp Genetics (formerly Invitae), Labcorp); PubMed 27714961 (cited by Labcorp Genetics (formerly Invitae), Labcorp).